The following is an entry in ClinVar:

ClinVar aggregate classification (germline): Likely pathogenic. Review status: criteria provided, multiple submitters, no conflicts (2 of 4 stars). 2 submissions from 2 submitters: Likely pathogenic (2). Last evaluated 2025-09-19.

Conditions:
Cardiovascular phenotype. Identifiers: MedGen CN230736.
Dilated cardiomyopathy 1G (CMD1G). Identifiers: Orphanet 154, MedGen C1858763, MONDO:0011400, OMIM 604145.
Autosomal recessive limb-girdle muscular dystrophy type 2J (LGMDR10). Also called: Limb-girdle muscular dystrophy, type 2J; MUSCULAR DYSTROPHY, LIMB-GIRDLE, AUTOSOMAL RECESSIVE 10. Identifiers: Orphanet 140922, MedGen C1837342, MONDO:0012127, OMIM 608807.

Submissions (2):

Ambry Genetics
Classification: Likely pathogenic for Cardiovascular phenotype. Last evaluated: 2025-09-19. Review status: criteria provided, single submitter. Criteria: Ambry Variant Classification Scheme 2023. Collection method: clinical testing. Allele origin: germline.
Comment: The c.60371_60372delCT variant, located in coding exon 155 of the TTN gene, results from a deletion of two nucleotides at nucleotide positions 60371 to 60372, causing a translational frameshift with a predicted alternate stop codon (p.S20124Cfs*33). This exon is located in the A-band region of the N2-B isoform of the titin protein and is constitutively expressed in TTN transcripts (percent spliced in or PSI 100%). This variant is considered to be rare based on population cohorts in the Genome Aggregation Database (gnomAD). This variant is expected to result in loss of function by premature protein truncation or nonsense-mediated mRNA decay. While truncating variants in TTN are present in 1-3% of the general population, truncating variants in the A-band are the most common cause of dilated cardiomyopathy (Herman DS et al. N. Engl. J. Med., 2012 Feb;366:619-28; Roberts AM et al. Sci Transl Med, 2015 Jan;7:270ra6). TTN truncating variants encoded in constitutive exons (PSI >90%) have been found to be significantly associated with DCM regardless of their position in titin (Schafer S et al. Nat. Genet., 2017 01;49:46-53; Akhtar MM et al. Circ Heart Fail, 2020 Oct;13:e006832; Massier M et al. Clin Genet, 2025 Jan). Based on the majority of available evidence to date, this variant is likely to be pathogenic.

Labcorp Genetics (formerly Invitae), Labcorp
Classification: Likely pathogenic for Dilated cardiomyopathy 1G; Autosomal recessive limb-girdle muscular dystrophy type 2J. Last evaluated: 2024-07-19. Review status: criteria provided, single submitter. Criteria: Invitae Variant Classification Sherloc (09022015). Collection method: clinical testing. Allele origin: germline.
Comment: This sequence change creates a premature translational stop signal (p.Ser29189Cysfs*33) in the TTN gene. While this is not anticipated to result in nonsense mediated decay, it is expected to create a truncated TTN protein. This variant is not present in population databases (gnomAD no frequency). This premature translational stop signal has been observed in individual(s) with dilated cardiomyopathy (Invitae). ClinVar contains an entry for this variant (Variation ID: 1067447). This variant is located in the A band of TTN (PMID: 25589632). Truncating variants in this region are significantly overrepresented in patients affected with dilated cardiomyopathy (PMID: 25589632). Truncating variants in this region have also been reported in individuals affected with autosomal recessive centronuclear myopathy (PMID: 23975875). In summary, the currently available evidence indicates that the variant is pathogenic, but additional data are needed to prove that conclusively. Therefore, this variant has been classified as Likely Pathogenic.

Literature cited by the submitters: PubMed 25589632 (cited by Labcorp Genetics (formerly Invitae), Labcorp); PubMed 23975875 (cited by Labcorp Genetics (formerly Invitae), Labcorp).

NM_001267550.2(TTN):c.87566_87567del (p.Ser29189fs)

Genes: TTN (titin; minus strand), TTN-AS1 (TTN antisense RNA 1; plus strand). Cytogenetic location: 2q31.2.
Variant type: Deletion.
Coding change: c.87566_87567del on transcript NM_001267550.2 (MANE Select); coding-DNA positions 87566 to 87567, 2 bases deleted (CT; older notation c.87566_87567delCT).
Protein change: p.Ser29189fs; shifts the reading frame from serine 29189.
Molecular consequence: frameshift variant.
Genome position (GRCh38, 1-based): chr2:178,557,787-178,557,788, AG deleted on the plus strand (CT on the coding strand, the reverse complement: TTN is on the minus strand); deleting any 2 consecutive bases within chr2:178,557,787-178,557,789 gives the same sequence; the c. name uses the placement nearest the transcript's 3' end. VCF-style (leftmost placement, unchanged base first): chr2-178557786-CAG-C. GRCh37 (hg19) VCF-style: chr2-179422513-CAG-C.
Other names: c.82643_82644del, p.Ser27548fs (NM_001256850.1); c.60371_60372del, p.Ser20124fs (NM_003319.4); c.79862_79863del, p.Ser26621fs (NM_133378.4); c.60746_60747del, p.Ser20249fs (NM_133432.3); c.60947_60948del, p.Ser20316fs (NM_133437.4); c.60371_60372delCT (NM_003319.4); short protein forms S20124fs, S20249fs, S20316fs, S26621fs, S27548fs, S29189fs.
Identifiers: ClinVar variation 1067447 (VCV001067447.10), dbSNP rs2154155928, ClinGen allele CA2499215330.